The following is an entry in ClinVar:

ClinVar aggregate classification (germline): Benign (0 of 4 stars; one submission).

Conditions:
INTS2-related disorder. Also called: INTS2-related condition.

Allele frequency attached by ClinVar (database versions not stated): 1000 Genomes Project 0.13359; ESP Exome Variant Server 0.04774; TOPMed 0.05644; gnomAD 0.06562; gnomAD exomes 0.07912; ExAC 0.10710; 1000 Genomes Project 30x 0.12773.
gnomAD v4.1: 125,688 of 1,612,594 alleles (7.8%); highest among the groups gnomAD compares: South Asian, 28%; 8,091 homozygotes.

Submissions (5):

PreventionGenetics, part of Exact Sciences
Classification: Benign for INTS2-related condition. Last evaluated: 2019-10-30. Review status: no assertion criteria provided. Collection method: clinical testing. Allele origin: germline.
Comment: This variant is classified as benign based on ACMG/AMP sequence variant interpretation guidelines (Richards et al. 2015 PMID: 25741868, with internal and published modifications).

Dr. Peter K. Rogan Lab, Western University
No classification provided (evidence only). Condition: Malignant lymphoma, large B-cell, diffuse. Review status: no classification provided. Collection method: in vitro. Allele origin: not applicable. Functional consequence: retained intron. Not counted in ClinVar's aggregate classification.

Dr. Peter K. Rogan Lab, Western University
No classification provided (evidence only). Condition: Malignant lymphoma, large B-cell, diffuse. Review status: no classification provided. Collection method: in vitro. Allele origin: not applicable. Functional consequence: retained intron. Not counted in ClinVar's aggregate classification.

Dr. Peter K. Rogan Lab, Western University
No classification provided (evidence only). Condition: Pancreatic adenocarcinoma. Review status: no classification provided. Collection method: in vitro. Allele origin: not applicable. Functional consequence: retained intron. Not counted in ClinVar's aggregate classification.

Dr. Peter K. Rogan Lab, Western University
No classification provided (evidence only). Condition: Uterine carcinosarcoma. Review status: no classification provided. Collection method: in vitro. Allele origin: not applicable. Functional consequence: retained intron. Not counted in ClinVar's aggregate classification.

NM_001351695.2(INTS2):c.1749A>G (p.Gln583=)

Gene: INTS2 (integrator complex subunit 2; minus strand). Cytogenetic location: 17q23.2.
Variant type: single nucleotide variant.
Coding change: c.1749A>G on transcript NM_001351695.2 (MANE Select); coding-DNA position 1749, A replaced by G.
Protein change: p.Gln583=; no amino-acid change (glutamine 583 retained).
Molecular consequence: synonymous variant.
Genome position (GRCh38, 1-based): chr17:61,891,639, T>C on the plus strand (A>G on the coding strand, the complement: INTS2 is on the minus strand). VCF-style: chr17-61891639-T-C. GRCh37 (hg19) VCF-style: chr17-59969000-T-C.
Other names: NC_000017.10:g.59969000T>C; c.1749A>G, p.Gln583= (NM_001330417.2); c.1773A>G, p.Gln591= (NM_020748.4).
Identifiers: ClinVar variation 3059600 (VCV003059600.3), dbSNP rs753765, ClinGen allele CA8691467.